The following is an entry in ClinVar:

NM_015330.6(SPECC1L):c.2674A>G (p.Ile892Val)

Genes: SPECC1L-ADORA2A (SPECC1L-ADORA2A readthrough (NMD candidate); plus strand), SPECC1L (sperm antigen with calponin homology and coiled-coil domains 1 like; plus strand). Cytogenetic location: 22q11.23.
Variant type: single nucleotide variant.
Coding change: c.2674A>G on transcript NM_015330.6 (MANE Select); coding-DNA position 2674, A replaced by G.
Protein change: p.Ile892Val; replaces isoleucine 892 with valine.
Molecular consequence: missense variant. On other transcripts: non-coding transcript variant (1), 5 prime UTR variant (1).
Genome position (GRCh38, 1-based): chr22:24,347,107, A>G. VCF-style: chr22-24347107-A-G. GRCh37 (hg19) VCF-style: chr22-24743075-A-G.
Other names: c.2674A>G, p.Ile892Val (NM_001145468.4, NM_001254732.3); c.-129A>G (NM_001254733.2); short protein forms I892V.
Identifiers: ClinVar variation 741940 (VCV000741940.7), dbSNP rs150495486, ClinGen allele CA10152404.

ClinVar aggregate classification (germline): Likely benign. Review status: criteria provided, multiple submitters, no conflicts (2 of 4 stars). 2 submissions from 2 submitters: Likely benign (2). Last evaluated 2026-01-18.

Conditions:
SPECC1L-related disorder. Also called: SPECC1L-related condition.

Allele frequency attached by ClinVar (database versions not stated): gnomAD below 0.00001 and 0.00008; TOPMed 0.00003; ESP Exome Variant Server 0.00008; 1000 Genomes Project 30x 0.00016; 1000 Genomes Project 0.00020; gnomAD exomes 0.00039; ExAC 0.00048.
gnomAD v4.1: 285 of 1,614,010 alleles (0.018%); highest among the groups gnomAD compares: South Asian, 0.26%; 2 homozygotes.

Submissions (2):

PreventionGenetics, part of Exact Sciences
Classification: Likely benign for SPECC1L-related condition. Last evaluated: 2026-01-18. Review status: criteria provided, single submitter. Criteria: ACMG Guidelines, 2015. Collection method: clinical testing. Allele origin: germline.
Comment: This variant is classified as likely benign based on ACMG/AMP sequence variant interpretation guidelines (Richards et al. 2015 PMID: 25741868, with internal and published modifications).

Labcorp Genetics (formerly Invitae), Labcorp
Classification: Likely benign. Last evaluated: 2025-12-17. Review status: criteria provided, single submitter. Criteria: Invitae Variant Classification Sherloc (09022015). Collection method: clinical testing. Allele origin: germline.